The following is an entry in ClinVar:

ClinVar aggregate classification (germline): Uncertain significance (1 of 4 stars; one submission).

Conditions:
Charcot-Marie-Tooth disease type 4. Also called: Charcot-Marie-Tooth disease, type IV; Charcot-Marie-Tooth, Type 4. Identifiers: Orphanet 64749, MedGen C4082197, MONDO:0018995.

gnomAD v4.1: 2 of 1,613,968 alleles (0.00012%); highest among the groups gnomAD compares: Non-Finnish European, 0.00017%; no homozygotes.

Submission:

Labcorp Genetics (formerly Invitae), Labcorp
Classification: Uncertain significance for Charcot-Marie-Tooth disease type 4. Last evaluated: 2020-09-02. Review status: criteria provided, single submitter. Criteria: Invitae Variant Classification Sherloc (09022015). Collection method: clinical testing. Allele origin: germline.
Comment: Algorithms developed to predict the effect of missense changes on protein structure and function are either unavailable or do not agree on the potential impact of this missense change (SIFT: "Deleterious"; PolyPhen-2: "Probably Damaging"; Align-GVGD: "Class C0"). In summary, the available evidence is currently insufficient to determine the role of this variant in disease. Therefore, it has been classified as a Variant of Uncertain Significance. This variant has not been reported in the literature in individuals with NDRG1-related conditions. This variant is not present in population databases (ExAC no frequency). This sequence change replaces glycine with cysteine at codon 66 of the NDRG1 protein (p.Gly66Cys). The glycine residue is highly conserved and there is a large physicochemical difference between glycine and cysteine.

NM_006096.4(NDRG1):c.196G>T (p.Gly66Cys)

Gene: NDRG1 (N-myc downstream regulated 1; minus strand). Cytogenetic location: 8q24.22.
Variant type: single nucleotide variant.
Coding change: c.196G>T on transcript NM_006096.4 (MANE Select); coding-DNA position 196, G replaced by T.
Protein change: p.Gly66Cys; replaces glycine 66 with cysteine.
Molecular consequence: missense variant. On other transcripts: 5 prime UTR variant (2), intron variant (1).
Genome position (GRCh38, 1-based): chr8:133,264,556, C>A on the plus strand (G>T on the coding strand, the complement: NDRG1 is on the minus strand). VCF-style: chr8-133264556-C-A. GRCh37 (hg19) VCF-style: chr8-134276799-C-A.
Other names: c.196G>T, p.Gly66Cys (NM_001135242.2, NM_001374844.1, NM_001374845.1 and 1 more transcripts); c.-3G>T (NM_001258432.2, NM_001374847.1); c.-38-2389G>T (NM_001258433.2); short protein forms G66C.
Identifiers: ClinVar variation 1054260 (VCV001054260.9), dbSNP rs780329667, ClinGen allele CA372256443.